The following is an entry in ClinVar:

NM_015915.5(ATL1):c.1674G>A (p.Met558Ile)

Gene: ATL1 (atlastin GTPase 1; plus strand). Cytogenetic location: 14q22.1.
Variant type: single nucleotide variant.
Coding change: c.1674G>A on transcript NM_015915.5 (MANE Select); coding-DNA position 1674, G replaced by A.
Protein change: p.Met558Ile; replaces methionine 558 with isoleucine.
Molecular consequence: missense variant.
Genome position (GRCh38, 1-based): chr14:50,632,336, G>A. VCF-style: chr14-50632336-G-A. GRCh37 (hg19) VCF-style: chr14-51099054-G-A.
Other names: c.1659G>A, p.Met553Ile (NM_001127713.1, NM_181598.4); short protein forms M553I, M558I.
Identifiers: ClinVar variation 1717353 (VCV001717353.5), dbSNP rs2504591050, ClinGen allele CA389679119.

ClinVar aggregate classification (germline): Uncertain significance (1 of 4 stars; one submission).

Conditions:
Hereditary spastic paraplegia 3A (SPG3A). Also called: Spastic paraplegia 3A, autosomal dominant; SPASTIC PARAPLEGIA 3, AUTOSOMAL DOMINANT; FAMILIAL SPASTIC PARAPLEGIA, AUTOSOMAL DOMINANT, 1; SPG3; STRUMPELL DISEASE; Spastic Paraplegia 3A. Identifiers: Orphanet 100984, MedGen C2931355, MONDO:0008437, OMIM 182600.

Submission:

Labcorp Genetics (formerly Invitae), Labcorp
Classification: Uncertain significance for Hereditary spastic paraplegia 3A. Last evaluated: 2022-09-06. Review status: criteria provided, single submitter. Criteria: Invitae Variant Classification Sherloc (09022015). Collection method: clinical testing. Allele origin: germline.
Comment: This variant is not present in population databases (gnomAD no frequency). In summary, the available evidence is currently insufficient to determine the role of this variant in disease. Therefore, it has been classified as a Variant of Uncertain Significance. Advanced modeling of protein sequence and biophysical properties (such as structural, functional, and spatial information, amino acid conservation, physicochemical variation, residue mobility, and thermodynamic stability) performed at Invitae indicates that this missense variant is not expected to disrupt ATL1 protein function. This variant has not been reported in the literature in individuals affected with ATL1-related conditions. This sequence change replaces methionine, which is neutral and non-polar, with isoleucine, which is neutral and non-polar, at codon 558 of the ATL1 protein (p.Met558Ile).